The following is an entry in ClinVar:

ClinVar aggregate classification (germline): Uncertain significance (1 of 4 stars; one submission).

Conditions:
Combined immunodeficiency due to DOCK8 deficiency (HIES2). Also called: HIES autosomal recessive; Hyper-IgE recurrent infection syndrome, autosomal recessive; HYPER-IgE RECURRENT INFECTION SYNDROME 2, AUTOSOMAL RECESSIVE; HYPER-IgE SYNDROME 2, AUTOSOMAL RECESSIVE, WITH RECURRENT INFECTIONS; DOCK8 Deficiency. Identifiers: Orphanet 217390, MedGen C4722305, MONDO:0009478, OMIM 243700.

Allele frequency attached by ClinVar (database versions not stated): gnomAD exomes below 0.00001; ExAC 0.00001.
gnomAD v4.1: 2 of 1,613,868 alleles (0.00012%); highest among the groups gnomAD compares: Admixed American, 0.0017%; no homozygotes.

Submission:

Labcorp Genetics (formerly Invitae), Labcorp
Classification: Uncertain significance for Combined immunodeficiency due to DOCK8 deficiency. Last evaluated: 2024-05-06. Review status: criteria provided, single submitter. Criteria: Invitae Variant Classification Sherloc (09022015). Collection method: clinical testing. Allele origin: germline.
Comment: This sequence change replaces proline, which is neutral and non-polar, with leucine, which is neutral and non-polar, at codon 97 of the DOCK8 protein (p.Pro97Leu). This variant is present in population databases (rs760271664, gnomAD 0.003%). This variant has not been reported in the literature in individuals affected with DOCK8-related conditions. ClinVar contains an entry for this variant (Variation ID: 1477859). Advanced modeling of protein sequence and biophysical properties (such as structural, functional, and spatial information, amino acid conservation, physicochemical variation, residue mobility, and thermodynamic stability) performed at Invitae indicates that this missense variant is not expected to disrupt DOCK8 protein function with a negative predictive value of 80%. In summary, the available evidence is currently insufficient to determine the role of this variant in disease. Therefore, it has been classified as a Variant of Uncertain Significance.

NM_203447.4(DOCK8):c.290C>T (p.Pro97Leu)

Genes: DOCK8 (dedicator of cytokinesis 8; plus strand), LOC126860552 (BRD4-independent group 4 enhancer GRCh37_chr9:285795-286994; plus strand). Cytogenetic location: 9p24.3.
Variant type: single nucleotide variant.
Coding change: c.290C>T on transcript NM_203447.4 (MANE Select); coding-DNA position 290, C replaced by T.
Protein change: p.Pro97Leu; replaces proline 97 with leucine.
Molecular consequence: missense variant.
Genome position (GRCh38, 1-based): chr9:286,594, C>T. VCF-style: chr9-286594-C-T. GRCh37 (hg19) VCF-style: chr9-286594-C-T.
Other names: c.86C>T, p.Pro29Leu (NM_001190458.2, NM_001193536.2); short protein forms P97L, P29L.
Identifiers: ClinVar variation 1477859 (VCV001477859.8), dbSNP rs760271664, ClinGen allele CA4957154.